The following is an entry in ClinVar:

ClinVar aggregate classification (germline): Pathogenic/Likely pathogenic. Review status: criteria provided, multiple submitters, no conflicts (2 of 4 stars). 3 submissions from 3 submitters: Pathogenic (1); Likely pathogenic (2). Last evaluated 2023-11-27.

Conditions:
ADA2-related disorder. Also called: ADA2-related condition.
Deficiency of adenosine deaminase 2. Also called: VASCULITIS, AUTOINFLAMMATION, IMMUNODEFICIENCY, AND HEMATOLOGIC DEFECTS SYNDROME; Polyarteritis nodosa, childhoood-onset; Adenosine Deaminase 2 Deficiency. Identifiers: Orphanet 404553, MedGen C3887654, MONDO:0014306, OMIM 615688, MONDO:0100317.
Sneddon syndrome (SNDNS). Also called: Idiopathic livedo reticularis with systemic involvement; LIVEDO RETICULARIS AND CEREBROVASCULAR ACCIDENTS. Identifiers: Orphanet 820, MedGen C0282492, MONDO:0008436, OMIM 182410.

Submissions (4):

Labcorp Genetics (formerly Invitae), Labcorp
Classification: Pathogenic for Deficiency of adenosine deaminase 2. Last evaluated: 2023-11-27. Review status: criteria provided, single submitter. Criteria: Invitae Variant Classification Sherloc (09022015). Collection method: clinical testing. Allele origin: germline.
Comment: This sequence change creates a premature translational stop signal (p.Ala221Glnfs*45) in the ADA2 gene. It is expected to result in an absent or disrupted protein product. Loss-of-function variants in ADA2 are known to be pathogenic (PMID: 24552284, 24552285). This variant is present in population databases (rs766602945, gnomAD 0.002%). This variant has not been reported in the literature in individuals affected with ADA2-related conditions. ClinVar contains an entry for this variant (Variation ID: 645215). Algorithms developed to predict the effect of sequence changes on RNA splicing suggest that this variant may disrupt the consensus splice site. For these reasons, this variant has been classified as Pathogenic.

Fulgent Genetics
Classification: Likely pathogenic for Sneddon syndrome; Deficiency of adenosine deaminase 2. Last evaluated: 2022-04-27. Review status: criteria provided, single submitter. Criteria: ACMG Guidelines, 2015. Collection method: clinical testing. Allele origin: unknown.

Blueprint Genetics
Classification: Likely pathogenic for ADA2-related disorders. Last evaluated: 2021-06-22. Review status: criteria provided, single submitter. Criteria: ACMG Guidelines, 2015. Collection method: clinical testing. Allele origin: germline. Affected: yes. Observed: 1 variant allele.

Dr. Peter K. Rogan Lab, Western University
No classification provided (evidence only). Condition: Hepatocellular carcinoma. Review status: no classification provided. Collection method: in vitro. Allele origin: not applicable. Functional consequence: retained intron. Not counted in ClinVar's aggregate classification.

Literature cited by the submitters: PubMed 24552284 (cited by Labcorp Genetics (formerly Invitae), Labcorp); PubMed 24552285 (cited by Labcorp Genetics (formerly Invitae), Labcorp).

NM_001282225.2(ADA2):c.661_664del (p.Ala221fs)

Gene: ADA2 (adenosine deaminase 2; minus strand). Cytogenetic location: 22q11.1.
Variant type: Deletion.
Coding change: c.661_664del on transcript NM_001282225.2 (MANE Select); coding-DNA positions 661 to 664, 4 bases deleted (GCAC; older notation c.661_664delGCAC).
Protein change: p.Ala221fs; shifts the reading frame from alanine 221.
Molecular consequence: frameshift variant.
Genome position (GRCh38, 1-based): chr22:17,203,652-17,203,655, GTGC deleted on the plus strand (GCAC on the coding strand, the reverse complement: ADA2 is on the minus strand); deleting any 4 consecutive bases within chr22:17,203,652-17,203,657 gives the same sequence; the c. name uses the placement nearest the transcript's 3' end. VCF-style (leftmost placement, unchanged base first): chr22-17203651-GGTGC-G. GRCh37 (hg19) VCF-style: chr22-17684541-GGTGC-G.
Other names: NC_000022.10:g.17684544_17684547del; c.661_664del, p.Ala221fs (NM_001282226.2); c.535_538del, p.Ala179fs (NM_001282227.2, NM_001282228.2); c.301_304del, p.Ala101fs (NM_001282229.2); short protein forms A101fs, A179fs, A221fs.
Identifiers: ClinVar variation 645215 (VCV000645215.10), dbSNP rs766602945, ClinGen allele CA10088163.